The following is an entry in ClinVar:

ClinVar aggregate classification (germline): Uncertain significance. Review status: criteria provided, single submitter (1 of 4 stars). 2 submissions from 2 submitters: Uncertain significance (1). 1 of the submissions does not count toward it. Last evaluated 2022-01-03.

Conditions:
Inborn genetic diseases. Identifiers: MedGen C0950123, MeSH D030342.
POMC-related disorder. Also called: POMC-related condition; POMC-related disorders.

Allele frequency attached by ClinVar (database versions not stated): TOPMed 0.00005; gnomAD 0.00006; ESP Exome Variant Server 0.00023.

Submissions (2):

Ambry Genetics
Classification: Uncertain significance for Inborn genetic diseases. Last evaluated: 2022-01-03. Review status: criteria provided, single submitter. Criteria: Ambry Variant Classification Scheme 2023. Collection method: clinical testing. Allele origin: germline.

PreventionGenetics, part of Exact Sciences
Classification: Uncertain significance for POMC-related condition. Last evaluated: 2024-06-10. Review status: no assertion criteria provided. Collection method: clinical testing. Allele origin: germline. Not counted in ClinVar's aggregate classification.
Comment: The POMC c.74G>A variant is predicted to result in the amino acid substitution p.Arg25His. This variant was observed in a cohort of obese individuals, and in vitro functional studies showed this variant did not reduce protein function and could cause increased function (Supplemental Data Set 3, Shah et al. 2023. PubMed ID: 36864747). This variant is reported in 0.016% of alleles in individuals of African descent in gnomAD. At this time, the clinical significance of this variant is uncertain due to the absence of conclusive functional and genetic evidence.

NM_000939.4(POMC):c.74G>A (p.Arg25His)

Gene: POMC (proopiomelanocortin; minus strand). Cytogenetic location: 2p23.3.
Variant type: single nucleotide variant.
Coding change: c.74G>A on transcript NM_000939.4 (MANE Select); coding-DNA position 74, G replaced by A.
Protein change: p.Arg25His; replaces arginine 25 with histidine.
Molecular consequence: missense variant.
Genome position (GRCh38, 1-based): chr2:25,164,699, C>T on the plus strand (G>A on the coding strand, the complement: POMC is on the minus strand). VCF-style: chr2-25164699-C-T. GRCh37 (hg19) VCF-style: chr2-25387568-C-T.
Other names: c.74G>A, p.Arg25His (NM_001035256.3, NM_001319204.2, NM_001319205.2); c.74G>A (NM_000939.3); short protein forms R25H.
Identifiers: ClinVar variation 2268807 (VCV002268807.4), dbSNP rs143923583, ClinGen allele CA1555410.